The following is an entry in ClinVar:

NM_004826.4(ECEL1):c.2070G>T (p.Trp690Cys)

Gene: ECEL1 (endothelin converting enzyme like 1; minus strand). Cytogenetic location: 2q37.1.
Variant type: single nucleotide variant.
Coding change: c.2070G>T on transcript NM_004826.4 (MANE Select); coding-DNA position 2070, G replaced by T.
Protein change: p.Trp690Cys; replaces tryptophan 690 with cysteine.
Molecular consequence: missense variant.
Genome position (GRCh38, 1-based): chr2:232,480,799, C>A on the plus strand (G>T on the coding strand, the complement: ECEL1 is on the minus strand). VCF-style: chr2-232480799-C-A. GRCh37 (hg19) VCF-style: chr2-233345509-C-A.
Other names: c.2064G>T, p.Trp688Cys (NM_001290787.2); short protein forms W688C, W690C.
Identifiers: ClinVar variation 3901978 (VCV003901978.1).

ClinVar aggregate classification (germline): Uncertain significance (1 of 4 stars; one submission).

Conditions:
Distal arthrogryposis type 5D (DA5D). Identifiers: Orphanet 329457, MedGen C3554415, MONDO:0014028, OMIM 615065.

gnomAD v4.1: 2 of 1,613,576 alleles (0.00012%); highest among the groups gnomAD compares: South Asian, 0.0011%; no homozygotes.

Submission:

Laboratorio de Genetica e Diagnostico Molecular, Hospital Israelita Albert Einstein
Classification: Uncertain significance for Distal arthrogryposis type 5D. Last evaluated: 2024-05-03. Review status: criteria provided, single submitter. Criteria: ACMG Guidelines, 2015. Collection method: clinical testing. Allele origin: germline. Affected: yes.
Comment: ACMG classification criteria: PM2 supporting, PP3 supporting